The following is an entry in ClinVar:

ClinVar aggregate classification (germline): Uncertain significance (1 of 4 stars; one submission).

gnomAD v4.1: 6 of 1,605,816 alleles (0.00037%); highest among the groups gnomAD compares: East Asian, 0.0089%; no homozygotes.

Submission:

Labcorp Genetics (formerly Invitae), Labcorp
Classification: Uncertain significance. Last evaluated: 2024-04-30. Review status: criteria provided, single submitter. Criteria: Invitae Variant Classification Sherloc (09022015). Collection method: clinical testing. Allele origin: germline.
Comment: This sequence change replaces serine, which is neutral and polar, with tyrosine, which is neutral and polar, at codon 863 of the KMT2E protein (p.Ser863Tyr). This variant is present in population databases (rs147624119, gnomAD 0.04%). This variant has not been reported in the literature in individuals affected with KMT2E-related conditions. An algorithm developed to predict the effect of missense changes on protein structure and function (PolyPhen-2) suggests that this variant is likely to be disruptive. In summary, the available evidence is currently insufficient to determine the role of this variant in disease. Therefore, it has been classified as a Variant of Uncertain Significance.

NM_182931.3(KMT2E):c.2588C>A (p.Ser863Tyr)

Gene: KMT2E (lysine methyltransferase 2E (inactive); plus strand). Cytogenetic location: 7q22.3.
Variant type: single nucleotide variant.
Coding change: c.2588C>A on transcript NM_182931.3 (MANE Select); coding-DNA position 2588, C replaced by A.
Protein change: p.Ser863Tyr; replaces serine 863 with tyrosine.
Molecular consequence: missense variant.
Genome position (GRCh38, 1-based): chr7:105,105,995, C>A. VCF-style: chr7-105105995-C-A. GRCh37 (hg19) VCF-style: chr7-104746442-C-A.
Other names: c.2588C>A, p.Ser863Tyr (NM_001410908.1, NM_018682.4); short protein forms S863Y.
Identifiers: ClinVar variation 3683629 (VCV003683629.2).